The following is an entry in ClinVar:

ClinVar aggregate classification (germline): Uncertain significance (1 of 4 stars; one submission).

Submission:

Labcorp Genetics (formerly Invitae), Labcorp
Classification: Uncertain significance. Last evaluated: 2024-03-18. Review status: criteria provided, single submitter. Criteria: Invitae Variant Classification Sherloc (09022015). Collection method: clinical testing. Allele origin: germline.
Comment: This sequence change replaces glycine, which is neutral and non-polar, with glutamic acid, which is acidic and polar, at codon 266 of the XPO5 protein (p.Gly266Glu). This variant is not present in population databases (gnomAD no frequency). This variant has not been reported in the literature in individuals affected with XPO5-related conditions. An algorithm developed to predict the effect of missense changes on protein structure and function (PolyPhen-2) suggests that this variant is likely to be tolerated. In summary, the available evidence is currently insufficient to determine the role of this variant in disease. Therefore, it has been classified as a Variant of Uncertain Significance.

NM_020750.3(XPO5):c.797G>A (p.Gly266Glu)

Gene: XPO5 (exportin 5; minus strand). Cytogenetic location: 6p21.1.
Variant type: single nucleotide variant.
Coding change: c.797G>A on transcript NM_020750.3 (MANE Select); coding-DNA position 797, G replaced by A.
Protein change: p.Gly266Glu; replaces glycine 266 with glutamic acid.
Molecular consequence: missense variant. On other transcripts: non-coding transcript variant (1).
Genome position (GRCh38, 1-based): chr6:43,567,206, C>T on the plus strand (G>A on the coding strand, the complement: XPO5 is on the minus strand). VCF-style: chr6-43567206-C-T. GRCh37 (hg19) VCF-style: chr6-43534943-C-T.
Other names: short protein forms G266E.
Identifiers: ClinVar variation 2874458 (VCV002874458.3), dbSNP rs763869190, ClinGen allele CA364260234.
Genomic context (GRCh38, chr6:43,567,206, plus strand): 5'-GTCAGTTTGAAGTGGTAACTTACTTTTCTGCTGACTGCAATGAGAAGACACTCAGCGGCT[C>T]CCAACTGAAGTTCCTGTTCATTCAACAGCAAACACAGTATCTCCAGGAGTTTACAGTTTT-3'
Protein context (NP_065801.1, residues 256-276): LLLNEQELQL[Gly266Glu]AAECLLIAVS